The following is an entry in ClinVar:

ClinVar aggregate classification (germline): Uncertain significance (1 of 4 stars; one submission).

Conditions:
Hypercholesterolemia, familial, 4 (FHCL4). Also called: HYPERCHOLESTEROLEMIA, AUTOSOMAL RECESSIVE, 1; HYPERCHOLESTEROLEMIA, AUTOSOMAL RECESSIVE, 2. Identifiers: Orphanet 391665, MedGen C1863512, MONDO:0011374, OMIM 603813.

Submission:

Labcorp Genetics (formerly Invitae), Labcorp
Classification: Uncertain significance for Hypercholesterolemia, familial, 4. Last evaluated: 2022-05-27. Review status: criteria provided, single submitter. Criteria: Invitae Variant Classification Sherloc (09022015). Collection method: clinical testing. Allele origin: germline.
Comment: This sequence change replaces arginine, which is basic and polar, with glycine, which is neutral and non-polar, at codon 73 of the LDLRAP1 protein (p.Arg73Gly). This variant is not present in population databases (gnomAD no frequency). This variant has not been reported in the literature in individuals affected with LDLRAP1-related conditions. ClinVar contains an entry for this variant (Variation ID: 1416549). Algorithms developed to predict the effect of missense changes on protein structure and function are either unavailable or do not agree on the potential impact of this missense change (SIFT: "Deleterious"; PolyPhen-2: "Probably Damaging"; Align-GVGD: "Class C0"). Algorithms developed to predict the effect of sequence changes on RNA splicing suggest that this variant may create or strengthen a splice site. In summary, the available evidence is currently insufficient to determine the role of this variant in disease. Therefore, it has been classified as a Variant of Uncertain Significance.

NM_015627.3(LDLRAP1):c.217A>G (p.Arg73Gly)

Gene: LDLRAP1 (low density lipoprotein receptor adaptor protein 1; plus strand). Cytogenetic location: 1p36.11.
Variant type: single nucleotide variant.
Coding change: c.217A>G on transcript NM_015627.3 (MANE Select); coding-DNA position 217, A replaced by G.
Protein change: p.Arg73Gly; replaces arginine 73 with glycine.
Molecular consequence: missense variant.
Genome position (GRCh38, 1-based): chr1:25,554,050, A>G. VCF-style: chr1-25554050-A-G. GRCh37 (hg19) VCF-style: chr1-25880541-A-G.
Other names: short protein forms R73G.
Identifiers: ClinVar variation 1416549 (VCV001416549.5), dbSNP rs2044142790, ClinGen allele CA339077850.